The following is an entry in ClinVar:

ClinVar aggregate classification (germline): Uncertain significance (1 of 4 stars; one submission).

Conditions:
Developmental and epileptic encephalopathy, 36 (DEE36). Also called: ALG13-CDG; Congenital disorder of glycosylation, type Is; Epileptic encephalopathy, early infantile, 36. Identifiers: Orphanet 324422, MedGen C4317295, MONDO:0010472, OMIM 300884.

Allele frequency attached by ClinVar (database versions not stated): gnomAD exomes below 0.00001; ExAC 0.00001.
gnomAD v4.1: 5 of 1,211,659 alleles (0.00041%); highest among the groups gnomAD compares: Non-Finnish European, 0.00045%; no homozygotes.

Submission:

Labcorp Genetics (formerly Invitae), Labcorp
Classification: Uncertain significance for Developmental and epileptic encephalopathy, 36. Last evaluated: 2024-02-24. Review status: criteria provided, single submitter. Criteria: Invitae Variant Classification Sherloc (09022015). Collection method: clinical testing. Allele origin: germline.
Comment: This sequence change replaces methionine, which is neutral and non-polar, with valine, which is neutral and non-polar, at codon 222 of the ALG13 protein (p.Met222Val). This variant is not present in population databases (gnomAD no frequency). This variant has not been reported in the literature in individuals affected with ALG13-related conditions. ClinVar contains an entry for this variant (Variation ID: 958874). Advanced modeling of protein sequence and biophysical properties (such as structural, functional, and spatial information, amino acid conservation, physicochemical variation, residue mobility, and thermodynamic stability) has been performed at Invitae for this missense variant, however the output from this modeling did not meet the statistical confidence thresholds required to predict the impact of this variant on ALG13 protein function. In summary, the available evidence is currently insufficient to determine the role of this variant in disease. Therefore, it has been classified as a Variant of Uncertain Significance.

NM_001099922.3(ALG13):c.664A>G (p.Met222Val)

Gene: ALG13 (ALG13 UDP-N-acetylglucosaminyltransferase subunit; plus strand). Cytogenetic location: Xq23.
Variant type: single nucleotide variant.
Coding change: c.664A>G on transcript NM_001099922.3 (MANE Select); coding-DNA position 664, A replaced by G.
Protein change: p.Met222Val; replaces methionine 222 with valine.
Molecular consequence: missense variant. On other transcripts: non-coding transcript variant (1).
Genome position (GRCh38, 1-based): chrX:111,708,307, A>G. VCF-style: chrX-111708307-A-G. GRCh37 (hg19) VCF-style: chrX-110951535-A-G.
Other names: c.352A>G, p.Met118Val (NM_001257230.2, NM_001257234.2, NM_001257237.2 and 1 more transcripts); c.430A>G, p.Met144Val (NM_001257231.2); c.664A>G, p.Met222Val (NM_001324292.2); short protein forms M144V, M222V, M118V.
Identifiers: ClinVar variation 958874 (VCV000958874.9), dbSNP rs766905095, ClinGen allele CA10493562.